The following is an entry in ClinVar:

NM_170707.4(LMNA):c.777T>C (p.Tyr259=)

Gene: LMNA (lamin A/C; plus strand). Cytogenetic location: 1q22.
Variant type: single nucleotide variant.
Coding change: c.777T>C on transcript NM_170707.4 (MANE Select); coding-DNA position 777, T replaced by C.
Protein change: p.Tyr259=; no amino-acid change (tyrosine 259 retained).
Molecular consequence: synonymous variant. On other transcripts: missense variant (4).
Genome position (GRCh38, 1-based): chr1:156,134,942, T>C. VCF-style: chr1-156134942-T-C. GRCh37 (hg19) VCF-style: chr1-156104733-T-C.
Other names: c.441T>C, p.Tyr147= (NM_001257374.3, NM_001406989.1, NM_001406998.1); c.534T>C, p.Tyr178= (NM_001282624.2, NM_001406986.1, NM_001406987.1); c.777T>C, p.Tyr259= (NM_001282625.2, NM_001282626.2, NM_001406983.1 and 6 more transcripts); c.480T>C, p.Tyr160= (NM_001406988.1); c.219T>C, p.Tyr73= (NM_001406990.1, NM_001406993.1, NM_001406995.1 and 4 more transcripts); c.113T>C, p.Ile38Thr (NM_001406994.1, NM_001406999.1, NM_001407000.1 and 1 more transcripts); short protein forms I38T.
Identifiers: ClinVar variation 3070531 (VCV003070531.2), dbSNP rs58048078, ClinGen allele CA421068534.

ClinVar aggregate classification (germline): Likely benign. Review status: criteria provided, multiple submitters, no conflicts (2 of 4 stars). 2 submissions from 2 submitters: Likely benign (2). Last evaluated 2025-12-03.

Conditions:
Charcot-Marie-Tooth disease type 2. Also called: Charcot-Marie-Tooth type 2. Identifiers: Orphanet 64746, MedGen C0270914, MONDO:0018993.
Primary dilated cardiomyopathy (DCM). Also called: Dilated Cardiomyopathy. Identifiers: Orphanet 217604, MedGen C0007193, MeSH D002311, MONDO:0005021, HP:0001644. Inheritance: Various modes of inheritance.

Allele frequency attached by ClinVar (database versions not stated): gnomAD 0.00001; gnomAD exomes below 0.00001.
gnomAD v4.1: 3 of 1,614,014 alleles (0.00019%); highest among the groups gnomAD compares: Non-Finnish European, 0.00025%; no homozygotes.

Submissions (2):

Labcorp Genetics (formerly Invitae), Labcorp
Classification: Likely benign for Charcot-Marie-Tooth disease type 2. Last evaluated: 2025-12-03. Review status: criteria provided, single submitter. Criteria: Invitae Variant Classification Sherloc (09022015). Collection method: clinical testing. Allele origin: germline.

All of Us Research Program, National Institutes of Health
Classification: Likely benign for Primary dilated cardiomyopathy. Last evaluated: 2023-04-28. Review status: criteria provided, single submitter. Criteria: ACMG Guidelines, 2015. Collection method: clinical testing. Allele origin: germline. Inheritance: Autosomal dominant inheritance. Observed: 1 variant allele, 1 heterozygote.
Comment: This study involves interpretation of variants in research participants for the purpose of population health screening. Participant phenotype was not available at the time of variant classification. Additional details can be found in publication PMID: 35346344, PMCID: PMC8962531